The following is an entry in ClinVar:

NM_006648.4(WNK2):c.2589C>A (p.His863Gln)

Gene: WNK2 (WNK lysine deficient protein kinase 2; plus strand). Cytogenetic location: 9q22.31.
Variant type: single nucleotide variant.
Coding change: c.2589C>A on transcript NM_006648.4 (MANE Select); coding-DNA position 2589, C replaced by A.
Protein change: p.His863Gln; replaces histidine 863 with glutamine.
Molecular consequence: missense variant.
Genome position (GRCh38, 1-based): chr9:93,259,137, C>A. VCF-style: chr9-93259137-C-A. GRCh37 (hg19) VCF-style: chr9-96021419-C-A.
Other names: c.2589C>A, p.His863Gln (NM_001282394.3); short protein forms H863Q.
Identifiers: ClinVar variation 3816740 (VCV003816740.1).
Genomic context (GRCh38, chr9:93,259,137, plus strand): 5'-CGCTGCCCCACTCCCCCCTGCGTCCCCAGCCTTGCCTCTGCAGGCTGTGAAGCTGCCCCA[C>A]CCCCCTGGGGCGCCCCTGGCCATGCCCTGCCGGACCATTGTGCCAAATGCACCGGCCACT-3'
Protein context (NP_006639.3, residues 853-873): ALPLQAVKLP[His863Gln]PPGAPLAMPC

ClinVar aggregate classification (germline): Uncertain significance (1 of 4 stars; one submission).

gnomAD v4.1: 29 of 1,610,318 alleles (0.0018%); highest among the groups gnomAD compares: Non-Finnish European, 0.0023%; no homozygotes.

Submission:

Ambry Genetics
Classification: Uncertain significance. Last evaluated: 2025-01-05. Review status: criteria provided, single submitter. Criteria: Ambry Variant Classification Scheme 2023. Collection method: clinical testing. Allele origin: germline.
Comment: The p.H863Q variant (also known as c.2589C>A), located in coding exon 11 of the WNK2 gene, results from a C to A substitution at nucleotide position 2589. The histidine at codon 863 is replaced by glutamine, an amino acid with highly similar properties. This amino acid position is conserved. In addition, this alteration is predicted to be tolerated by in silico analysis. Based on the available evidence, the clinical significance of this variant remains unclear.